The following is an entry in ClinVar:

NM_003560.4(PLA2G6):c.2030G>T (p.Arg677Leu)

Gene: PLA2G6 (phospholipase A2 group VI; minus strand). Cytogenetic location: 22q13.1.
Variant type: single nucleotide variant.
Coding change: c.2030G>T on transcript NM_003560.4 (MANE Select); coding-DNA position 2030, G replaced by T.
Protein change: p.Arg677Leu; replaces arginine 677 with leucine.
Molecular consequence: missense variant.
Genome position (GRCh38, 1-based): chr22:38,115,531, C>A on the plus strand (G>T on the coding strand, the complement: PLA2G6 is on the minus strand). VCF-style: chr22-38115531-C-A. GRCh37 (hg19) VCF-style: chr22-38511538-C-A.
Other names: c.1868G>T, p.Arg623Leu (NM_001004426.3, NM_001199562.3, NM_001349865.2 and 1 more transcripts); c.2030G>T, p.Arg677Leu (NM_001349864.2); c.1496G>T, p.Arg499Leu (NM_001349867.2); c.1352G>T, p.Arg451Leu (NM_001349868.2); c.1334G>T, p.Arg445Leu (NM_001349869.2); short protein forms R677L, R451L, R623L, R445L, R499L.
Identifiers: ClinVar variation 159752 (VCV000159752.13), dbSNP rs369038599, ClinGen allele CA173241.
Genomic context (GRCh38, chr22:38,115,531, plus strand): 5'-CACAGGATTGGCTCCAGGGAGCAGTGGGTCCAGGCCCTCTGGCCTACGGCACTCACCTTG[C>A]GGATCAGGTCCTGATTGTACTCATGGATCTCGGTCATGGCATCCAGCGTGGGGTTGTTGG-3'
Protein context (NP_003551.2, residues 667-687): EIHEYNQDLI[Arg677Leu]KGQANKVKKL

ClinVar aggregate classification (germline): Uncertain significance. Review status: criteria provided, multiple submitters, no conflicts (2 of 4 stars). 5 submissions from 5 submitters: Uncertain significance (5). Last evaluated 2024-03-20.

Conditions:
PLA2G6-associated neurodegeneration (PLAN). Also called: phospholipase A2-associated neurodegeneration. Identifiers: Orphanet 329303, MedGen CN204472, MONDO:0017998.
Infantile neuroaxonal dystrophy (NBIA2A). Also called: SEITELBERGER DISEASE; Infantile neuroaxonal dystrophy 1; NEURODEGENERATION WITH BRAIN IRON ACCUMULATION 2A. Identifiers: Orphanet 35069, MedGen C0270724, MONDO:0024457, OMIM 256600.
Iron accumulation in brain. Identifiers: MedGen C4021076, HP:0012675.

Allele frequency attached by ClinVar (database versions not stated): ESP Exome Variant Server 0.00008.
gnomAD v4.1: 61 of 1,612,818 alleles (0.0038%); highest among the groups gnomAD compares: South Asian, 0.063%; no homozygotes.

Submissions (5):

Blueprint Genetics
Classification: Uncertain significance. Last evaluated: 2024-03-20. Review status: criteria provided, single submitter. Criteria: ACMG Guidelines, 2015. Collection method: clinical testing. Allele origin: germline.

Neuberg Centre For Genomic Medicine, NCGM
Classification: Uncertain significance for Infantile neuroaxonal dystrophy. Last evaluated: 2023-05-20. Review status: criteria provided, single submitter. Criteria: ACMG Guidelines, 2015. Collection method: clinical testing. Allele origin: germline. Inheritance: Autosomal recessive inheritance. Affected: yes.
Comment: The missense c.2030G>T(p.Arg677Leu) variant in the PLA2G6 gene has been reported previously in heterozygous state in an individual(s) with Infantile Neuroaxonal Dystrophy, Atypical Late-Onset Neuroaxonal Dystrophy and Dystonia Parkinsonism Complex (Kapoor et al., 2016). Another missense variant (p.Arg677Cys; p.Arg677His) at the same codon has been reported as VUS. This variant is reported with the allele frequency (0.009%) in the gnomAD Exomes. This variant has been reported to the ClinVar database as Uncertain Significance. The amino acid Arginine at position 677 is changed to a Leucine changing protein sequence and it might alter its composition and physico-chemical properties. Computational evidence (Polyphen, SIFT and MutationTaster) predicts conflicting evidence on protein structure and function for this variant. The amino acid change p.Arg677Leu in PLA2G6 is predicted as conserved by GERP++ and PhyloP across 100 vertebrates. For these reasons, this variant has been classified as Uncertain significance.

Labcorp Genetics (formerly Invitae), Labcorp
Classification: Uncertain significance for Infantile neuroaxonal dystrophy. Last evaluated: 2022-06-15. Review status: criteria provided, single submitter. Criteria: Invitae Variant Classification Sherloc (09022015). Collection method: clinical testing. Allele origin: germline.
Comment: This sequence change replaces arginine, which is basic and polar, with leucine, which is neutral and non-polar, at codon 677 of the PLA2G6 protein (p.Arg677Leu). This variant is present in population databases (rs369038599, gnomAD 0.07%). This missense change has been observed in individual(s) with infantile neuroaxonal dystrophy (PMID: 27196560). ClinVar contains an entry for this variant (Variation ID: 159752). Advanced modeling of protein sequence and biophysical properties (such as structural, functional, and spatial information, amino acid conservation, physicochemical variation, residue mobility, and thermodynamic stability) performed at Invitae indicates that this missense variant is expected to disrupt PLA2G6 protein function. In summary, the available evidence is currently insufficient to determine the role of this variant in disease. Therefore, it has been classified as a Variant of Uncertain Significance.

Illumina Laboratory Services, Illumina
Classification: Uncertain significance for PLA2G6-associated neurodegeneration. Last evaluated: 2018-01-02. Review status: criteria provided, single submitter. Criteria: ICSL Variant Classification Criteria 13 December 2019. Collection method: clinical testing. Allele origin: germline.
Comment: This variant was observed as part of a predisposition screen in an ostensibly healthy population. A literature search was performed for the gene, cDNA change, and amino acid change (where applicable). Publications were found based on this search. However, the evidence from the literature, in combination with allele frequency data from public databases where available, was not sufficient to rule this variant in or out of causing disease. Therefore, this variant is classified as a variant of unknown significance.

Genetic Services Laboratory, University of Chicago
Classification: Uncertain significance for iron accumulation in brain. Last evaluated: 2013-02-08. Review status: criteria provided, single submitter. Criteria: ACMG Guidelines, 2007. Collection method: clinical testing. Allele origin: germline. Inheritance: Autosomal recessive inheritance.

Literature cited by the submitters: PubMed 27196560 (cited by Labcorp Genetics (formerly Invitae), Labcorp and Illumina Laboratory Services, Illumina).